The following is an entry in ClinVar:

ClinVar aggregate classification (germline): Pathogenic. Review status: criteria provided, multiple submitters, no conflicts (2 of 4 stars). 15 submissions from 15 submitters: Pathogenic (14). 1 of the submissions does not count toward it. Last evaluated 2025-12-14.

Conditions:
ATP7B-related disorder. Also called: ATP7B-related condition.
Inborn genetic diseases. Identifiers: MedGen C0950123, MeSH D030342.
Wilson disease (WND). Also called: Wilson's disease. Identifiers: Orphanet 905, MedGen C0019202, MONDO:0010200, OMIM 277900. Disease mechanism: loss of function.

Allele frequency attached by ClinVar (database versions not stated): ExAC 0.00001; gnomAD 0.00001; gnomAD exomes 0.00001; TOPMed 0.00001.
gnomAD v4.1: 16 of 1,613,982 alleles (0.00099%); highest among the groups gnomAD compares: Non-Finnish European, 0.0014%; no homozygotes.

Submissions 1 to 12 of 15:

Labcorp Genetics (formerly Invitae), Labcorp
Classification: Pathogenic for Wilson disease. Last evaluated: 2025-12-14. Review status: criteria provided, single submitter. Criteria: Invitae Variant Classification Sherloc (09022015). Collection method: clinical testing. Allele origin: germline.
Comment: This sequence change creates a premature translational stop signal (p.Leu1088*) in the ATP7B gene. It is expected to result in an absent or disrupted protein product. Loss-of-function variants in ATP7B are known to be pathogenic (PMID: 10441329, 16283883). This variant is present in population databases (rs753250853, gnomAD 0.002%). This premature translational stop signal has been observed in individuals with Wilson disease (PMID: 12515040, 15024742, 20082719, 23518715). ClinVar contains an entry for this variant (Variation ID: 188886). For these reasons, this variant has been classified as Pathogenic.

PreventionGenetics, part of Exact Sciences
Classification: Pathogenic for ATP7B-related condition. Last evaluated: 2025-09-12. Review status: criteria provided, single submitter. Criteria: ACMG Guidelines, 2015. Collection method: clinical testing. Allele origin: germline.
Comment: The ATP7B c.3263T>A variant is predicted to result in premature protein termination (p.Leu1088*). This variant has been reported in multiple individuals with Wilson disease (Deguti et al. 2004. PubMed ID: 15024742, Table 1 and 2; Vrabelova et al. 2005. PubMed ID: 15967699, Table 1; Merle et al. 2010. PubMed ID: 20082719). Furthermore, loss of function variants up and downstream of this variant have been reported to be causative for Wilson disease (e.g. Dong et al. 2016. PubMed ID: 27022412). This variant is reported in 0.0018% of alleles in individuals of European (Non-Finnish) descent in gnomAD. Nonsense variants in ATP7B are expected to be pathogenic. This variant is interpreted as pathogenic.

Ambry Genetics
Classification: Pathogenic for Inborn genetic diseases. Last evaluated: 2025-07-11. Review status: criteria provided, single submitter. Criteria: Ambry Variant Classification Scheme 2023. Collection method: clinical testing. Allele origin: germline.
Comment: The c.3263T>A (p.L1088*) alteration, located in exon 15 (coding exon 15) of the ATP7B gene, consists of a T to A substitution at nucleotide position 3263. This changes the amino acid from a leucine (L) to a stop codon at amino acid position 1088. This alteration is expected to result in loss of function by premature protein truncation or nonsense-mediated mRNA decay. Based on data from gnomAD, the A allele has an overall frequency of 0.001% (2/249552) total alleles studied. The highest observed frequency was 0.002% (2/113284) of European (non-Finnish) alleles. This variant has been identified in the homozygous state and/or in conjunction with other ATP7B variant(s) in individual(s) with features consistent with Wilson Disease (Collins, 2021; Deguti, 2004; Merle, 2010; S&aacute;nchez-Monteagudo, 2020) Based on the available evidence, this alteration is classified as pathogenic.

Natera, Inc.
Classification: Pathogenic for Wilson disease. Last evaluated: 2024-12-17. Review status: criteria provided, single submitter. Criteria: Natera Variant Classification Schema (03/2026). Collection method: clinical testing. Allele origin: germline.
Comment: The c.3263T>A variant in ATP7B is a nonsense variant predicted to introduce a stop codon at amino acid 1088. This variant is expected to result in nonsense mediated decay, truncation, or a dysfunctional protein product. This variant is rare in the general population with a frequency below the threshold expected for the associated phenotype(s). This variant has been observed in one or more individuals affected with the associated recessive disease, as either homozygous or compound heterozygous with a second variant (PMID: 23518715). Given the available evidence, this variant is classified as Pathogenic.

Color Diagnostics, LLC DBA Color Health
Classification: Pathogenic for Wilson disease. Last evaluated: 2024-11-25. Review status: criteria provided, single submitter. Criteria: ACMG Guidelines, 2015. Collection method: clinical testing. Allele origin: germline.
Comment: This variant changes 1 nucleotide in exon 15 of the ATP7B gene, creating a premature translation stop signal. This variant is expected to result in an absent or non-functional protein product. This variant has been reported in at least ten individuals affected with autosomal recessive Wilson disease (PMID: 15024742, 15967699, 20082719, 20958917, 23518715, 29358271, 32043565, 34620762). This variant has been identified in 2/249552 chromosomes in the general population by the Genome Aggregation Database (gnomAD). Loss of ATP7B function is a known mechanism of disease. Based on the available evidence, this variant is classified as Pathogenic.

All of Us Research Program, National Institutes of Health
Classification: Pathogenic for Wilson disease. Last evaluated: 2024-08-05. Review status: criteria provided, single submitter. Criteria: ACMG Guidelines, 2015. Collection method: clinical testing. Allele origin: germline. Inheritance: Autosomal recessive inheritance. Observed: 6 variant alleles, 6 heterozygotes.
Comment: This variant changes 1 nucleotide in exon 15 of the ATP7B gene, creating a premature translation stop signal. This variant is expected to result in an absent or non-functional protein product. This variant has been reported in at least ten individuals affected with Wilson disease (PMID: 15024742, 15967699, 20082719, 20958917, 23518715, 29358271, 32043565, 34620762). Among these individuals, this variant was found in the homozygous state (PMID: 29358271) and compound heterozygous state (PMID: 15024742, 23518715, 32043565). This variant has been identified in 2/249552 chromosomes in the general population by the Genome Aggregation Database (gnomAD). Loss of ATP7B function is a known mechanism of disease. Based on the available evidence, this variant is classified as Pathogenic.

This study involves interpretation of variants in research participants for the purpose of population health screening. Participant phenotype was not available at the time of variant classification. Additional details can be found in publication PMID: 35346344, PMCID: PMC8962531

Fulgent Genetics
Classification: Pathogenic for Wilson disease. Last evaluated: 2024-01-17. Review status: criteria provided, single submitter. Criteria: ACMG Guidelines, 2015. Collection method: clinical testing. Allele origin: germline.

Baylor Genetics
Classification: Pathogenic for Wilson disease. Last evaluated: 2023-11-10. Review status: criteria provided, single submitter. Criteria: ACMG Guidelines, 2015. Collection method: clinical testing. Allele origin: unknown.

Genome-Nilou Lab
Classification: Pathogenic for Wilson disease. Last evaluated: 2021-08-10. Review status: criteria provided, single submitter. Criteria: ACMG Guidelines, 2015. Collection method: clinical testing. Allele origin: germline. Affected: no.

CeGaT Center for Human Genetics Tuebingen
Classification: Pathogenic. Last evaluated: 2021-08-01. Review status: criteria provided, single submitter. Criteria: CeGaT Center For Human Genetics Tuebingen Variant Classification Criteria Version 2. Collection method: clinical testing. Allele origin: germline. Affected: yes. Observed: 1 variant allele.

Women's Health and Genetics/Laboratory Corporation of America, LabCorp
Classification: Pathogenic for Wilson disease. Last evaluated: 2021-06-14. Review status: criteria provided, single submitter. Criteria: LabCorp Variant Classification Summary - May 2015. Collection method: clinical testing. Allele origin: germline.
Comment: Variant summary: ATP7B c.3263T>A (p.Leu1088X) results in a premature termination codon, predicted to cause a truncation of the encoded protein or absence of the protein due to nonsense mediated decay, which are commonly known mechanisms for disease. Truncations downstream of this position have been classified as pathogenic by our laboratory. The variant allele was found at a frequency of 8e-06 in 249552 control chromosomes. c.3263T>A has been reported in the literature in multiple individuals affected with Wilson Disease (e.g. Deguti_2004, Vrabelova_2005, Merle_2010, Sanchez-Monteagudo_2020). These data indicate that the variant is very likely to be associated with disease. To our knowledge, no experimental evidence demonstrating an impact on protein function has been reported. Two clinical diagnostic laboratories have submitted clinical-significance assessments for this variant to ClinVar after 2014 without evidence for independent evaluation. Both laboratories cited the variant as pathogenic. Based on the evidence outlined above, the variant was classified as pathogenic.

GeneDx
Classification: Pathogenic. Last evaluated: 2020-11-20. Review status: criteria provided, single submitter. Criteria: GeneDx Variant Classification Process June 2021. Collection method: clinical testing. Allele origin: germline. Affected: yes.
Comment: Nonsense variant predicted to result in protein truncation or nonsense mediated decay in a gene for which loss-of-function is a known mechanism of disease; Not observed at a significant frequency in large population cohorts (Lek et al., 2016); This variant is associated with the following publications: (PMID: 32043565, 25497208, 15024742, 20517649, 20082719, 12515040, 25525159)

NM_000053.4(ATP7B):c.3263T>A (p.Leu1088Ter)

Gene: ATP7B (ATPase copper transporting beta; minus strand). Cytogenetic location: 13q14.3.
Variant type: single nucleotide variant.
Coding change: c.3263T>A on transcript NM_000053.4 (MANE Select); coding-DNA position 3263, T replaced by A.
Protein change: p.Leu1088Ter; replaces leucine 1088 with a stop codon.
Molecular consequence: nonsense.
Genome position (GRCh38, 1-based): chr13:51,942,535, A>T on the plus strand (T>A on the coding strand, the complement: ATP7B is on the minus strand). VCF-style: chr13-51942535-A-T. GRCh37 (hg19) VCF-style: chr13-52516671-A-T.
Other names: c.2642T>A, p.Leu881Ter (NM_001005918.3); c.2930T>A, p.Leu977Ter (NM_001243182.2); c.3029T>A, p.Leu1010Ter (NM_001330578.2); c.3011T>A, p.Leu1004Ter (NM_001330579.2); short protein forms L1088*, L1004*, L1010*, L881*, L977*.
Identifiers: ClinVar variation 188886 (VCV000188886.71), dbSNP rs753250853, ClinGen allele CA274082.